The following is an entry in ClinVar:

ClinVar aggregate classification (germline): Benign (1 of 4 stars; one submission).

Allele frequency attached by ClinVar (database versions not stated): gnomAD exomes 0.63039; gnomAD 0.64993 and 0.65629; TOPMed 0.66923; 1000 Genomes Project 0.75819; 1000 Genomes Project 30x 0.75921.
gnomAD v4.1: 828,889 of 1,306,920 alleles (63%); highest among the groups gnomAD compares: East Asian, 98%; 268,220 homozygotes.

Submission:

GeneDx
Classification: Benign. Last evaluated: 2018-06-14. Review status: criteria provided, single submitter. Criteria: GeneDx Variant Classification (06012015). Collection method: clinical testing. Allele origin: germline. Affected: yes.
Comment: This variant is considered likely benign or benign based on one or more of the following criteria: it is a conservative change, it occurs at a poorly conserved position in the protein, it is predicted to be benign by multiple in silico algorithms, and/or has population frequency not consistent with disease.

NM_014989.7(RIMS1):c.2928-80C>T

Gene: RIMS1 (regulating synaptic membrane exocytosis 1; plus strand). Cytogenetic location: 6q13.
Variant type: single nucleotide variant.
Coding change: c.2928-80C>T on transcript NM_014989.7 (MANE Select); 80 bases into the intron before coding-DNA position 2928, C replaced by T.
Molecular consequence: intron variant.
Genome position (GRCh38, 1-based): chr6:72,258,906, C>T. VCF-style: chr6-72258906-C-T. GRCh37 (hg19) VCF-style: chr6-72968609-C-T.
Other names: c.1281-80C>T (NM_001350428.2, NM_001350459.2, NM_001350424.2 and 1 more transcripts); c.1278-80C>T (NM_001350437.2, NM_001350430.2, NM_001350421.2 and 2 more transcripts); c.1350-80C>T (NM_001350458.2, NM_001350433.2, NM_001350446.2 and 15 more transcripts); c.1347-80C>T (NM_001350436.2, NM_001350434.2, NM_001350418.2 and 19 more transcripts); c.1107-80C>T (NM_001350469.2, NM_001168409.2, NM_001350466.2 and 3 more transcripts); c.1104-80C>T (NM_001350461.2, NM_001350463.2, NM_001350468.2); c.1305-80C>T (NM_001350470.2, NM_001168410.2, NM_001350473.2 and 1 more transcripts); c.1302-80C>T (NM_001350472.2).
Identifiers: ClinVar variation 677183 (VCV000677183.1), dbSNP rs6923891, ClinGen allele CA140885522.
Genomic context (GRCh38, chr6:72,258,906, plus strand): 5'-TGATAAGTAGGTTTTGATTATGATGCAAATACTTTTCAGTGTTTATTTGCATATTACTCT[C>T]AGTTCCTTCACTTTAGTCTGTCTGCCTGTTTTGGGAAGATGATACAATTTGACACATAAG-3'